The following is an entry in ClinVar:

ClinVar aggregate classification (germline): Benign/Likely benign. Review status: criteria provided, multiple submitters, no conflicts (2 of 4 stars). 12 submissions from 12 submitters: Benign (5); Likely benign (4). 3 of the submissions do not count toward it. Last evaluated 2026-02-02.

Conditions:
Cardiovascular phenotype. Identifiers: MedGen CN230736.
Cardiomyopathy (CMYO). Also called: Cardiomyopathies. Identifiers: Orphanet 167848, MedGen C0878544, MONDO:0004994, HP:0001638. Inheritance: Various modes of inheritance.
Arrhythmogenic right ventricular dysplasia 8 (ARVD8). Also called: Arrhythmogenic Right Ventricular Dysplasia/Cardiomyopathy 8; ARRHYTHMOGENIC RIGHT VENTRICULAR DYSPLASIA, FAMILIAL, 8; ARRHYTHMOGENIC RIGHT VENTRICULAR CARDIOMYOPATHY 8. Identifiers: MedGen C1843896, MONDO:0011831, OMIM 607450.
Arrhythmogenic cardiomyopathy with wooly hair and keratoderma. Also called: Arrhythmogenic cardiomyopathy with woolly hair and keratoderma; Dilated cardiomyopathy with woolly hair and keratoderma; PALMOPLANTAR KERATODERMA WITH LEFT VENTRICULAR CARDIOMYOPATHY AND WOOLLY HAIR; Carvajal syndrome. Identifiers: Orphanet 65282, MedGen C1854063, MONDO:0011581, OMIM 605676.

Allele frequency attached by ClinVar (database versions not stated): gnomAD exomes 0.00042; ExAC 0.00047; 1000 Genomes Project 0.00100; 1000 Genomes Project 30x 0.00125; ESP Exome Variant Server 0.00146; gnomAD 0.00148 and 0.00156; TOPMed 0.00149.
gnomAD v4.1: 421 of 1,612,974 alleles (0.026%); highest among the groups gnomAD compares: African/African-American, 0.5%; 2 homozygotes.

Submissions (12):

Labcorp Genetics (formerly Invitae), Labcorp
Classification: Benign for Arrhythmogenic cardiomyopathy with wooly hair and keratoderma; Arrhythmogenic right ventricular dysplasia 8. Last evaluated: 2026-02-02. Review status: criteria provided, single submitter. Criteria: Invitae Variant Classification Sherloc (09022015). Collection method: clinical testing. Allele origin: germline.

Molecular Diagnostic Laboratory for Inherited Cardiovascular Disease, Montreal Heart Institute
Classification: Likely benign. Last evaluated: 2025-02-17. Review status: criteria provided, single submitter. Criteria: ACMG Guidelines, 2015. Collection method: clinical testing. Allele origin: germline. Affected: no.

Blueprint Genetics
Classification: Likely benign. Last evaluated: 2024-10-16. Review status: criteria provided, single submitter. Criteria: ACMG Guidelines, 2015. Collection method: clinical testing. Allele origin: germline.

All of Us Research Program, National Institutes of Health
Classification: Benign for Arrhythmogenic cardiomyopathy with wooly hair and keratoderma. Last evaluated: 2024-02-05. Review status: criteria provided, single submitter. Criteria: ACMG Guidelines, 2015. Collection method: clinical testing. Allele origin: germline. Inheritance: Autosomal dominant inheritance. Observed: 78 variant alleles, 78 heterozygotes.
Comment: This study involves interpretation of variants in research participants for the purpose of population health screening. Participant phenotype was not available at the time of variant classification. Additional details can be found in publication PMID: 35346344, PMCID: PMC8962531

GeneDx
Classification: Likely benign. Last evaluated: 2020-10-21. Review status: criteria provided, single submitter. Criteria: GeneDx Variant Classification Process June 2021. Collection method: clinical testing. Allele origin: germline. Affected: yes.

Color Diagnostics, LLC DBA Color Health
Classification: Benign for Cardiomyopathy. Last evaluated: 2018-11-25. Review status: criteria provided, single submitter. Criteria: ACMG Guidelines, 2015. Collection method: clinical testing. Allele origin: germline.

Women's Health and Genetics/Laboratory Corporation of America, LabCorp
Classification: Benign. Last evaluated: 2018-05-29. Review status: criteria provided, single submitter. Criteria: LabCorp Variant Classification Summary - May 2015. Collection method: clinical testing. Allele origin: germline.
Comment: Variant summary: DSP c.1920C>T alters a non-conserved nucleotide resulting in a synonymous change. 5/5 computational tools predict no significant impact on normal splicing. However, these predictions have yet to be confirmed by functional studies. The variant allele was found at a frequency of 0.00054 in 275424 control chromosomes, predominantly at a frequency of 0.0057 within the African subpopulation in the gnomAD database, including 1 homozygotes. The observed variant frequency within African control individuals in the gnomAD database is approximately 228 fold of the estimated maximal expected allele frequency for a pathogenic variant in DSP causing Cardiomyopathy phenotype (2.5e-05), strongly suggesting that the variant is a benign polymorphism found primarily in populations of African origin. To our knowledge, no occurrence of c.1920C>T in individuals affected with Cardiomyopathy and no experimental evidence demonstrating its impact on protein function have been reported. Three clinical diagnostic laboratories have submitted clinical-significance assessments for this variant to ClinVar after 2014 without evidence for independent evaluation. All laboratories classified the variant as benign/likely benign. Based on the evidence outlined above, the variant was classified as benign.

Ambry Genetics
Classification: Likely benign for Cardiovascular phenotype. Last evaluated: 2016-05-25. Review status: criteria provided, single submitter. Criteria: Ambry Variant Classification Scheme 2023. Collection method: clinical testing. Allele origin: germline.

Laboratory for Molecular Medicine, Mass General Brigham Personalized Medicine
Classification: Benign. Last evaluated: 2012-03-19. Review status: criteria provided, single submitter. Criteria: LMM Criteria. Collection method: clinical testing. Allele origin: germline. Observed: 4 variant alleles.
Comment: p.Ile640Ile in Exon 15 of DSP: This variant is not expected to have clinical sig nificance because it does not alter an amino acid residue, is not located within the splice consensus sequence and has been identified in 0.5% (17/3738) of Afri can American chromosomes from a broad population by the NHLBI Exome Sequencing P roject (dbSNP rs74806300).

Clinical Genetics DNA and cytogenetics Diagnostics Lab, Erasmus MC, Erasmus Medical Center
Classification: Likely benign. Review status: no assertion criteria provided. Collection method: clinical testing. Allele origin: germline. Affected: yes. Study: VKGL Data-share Consensus. Not counted in ClinVar's aggregate classification.

Clinical Genetics, Academic Medical Center
Classification: Benign. Review status: no assertion criteria provided. Collection method: clinical testing. Allele origin: germline. Affected: yes. Study: VKGL Data-share Consensus. Not counted in ClinVar's aggregate classification.

Diagnostic Laboratory, Department of Genetics, University Medical Center Groningen
Classification: Benign. Review status: no assertion criteria provided. Collection method: clinical testing. Allele origin: germline. Affected: yes. Study: VKGL Data-share Consensus. Not counted in ClinVar's aggregate classification.

NM_004415.4(DSP):c.1920C>T (p.Ile640=)

Gene: DSP (desmoplakin; plus strand). Cytogenetic location: 6p24.3.
Variant type: single nucleotide variant.
Coding change: c.1920C>T on transcript NM_004415.4 (MANE Select); coding-DNA position 1920, C replaced by T.
Protein change: p.Ile640=; no amino-acid change (isoleucine 640 retained).
Molecular consequence: synonymous variant.
Genome position (GRCh38, 1-based): chr6:7,571,858, C>T. VCF-style: chr6-7571858-C-T. GRCh37 (hg19) VCF-style: chr6-7572091-C-T.
Other names: c.1920C>T, p.Ile640= (NM_001008844.3, NM_001319034.2).
Identifiers: ClinVar variation 178027 (VCV000178027.34), dbSNP rs74806300, ClinGen allele CA005186.
Genomic context (GRCh38, chr6:7,571,858, plus strand): 5'-CCTAGGTATTCTCTGATTTTTGTGGCCCTAACTTCTTTTTACAGTGACCACAACTGAAAT[C>T]ACTCATCATGGAACCTGCCAAGATGTCAACCATAATAAAGTAATTGAAACCAACAGAGAA-3'
Protein context (NP_004406.2, residues 630-650): PQHQTVTTTE[Ile640=]THHGTCQDVN